The following is an entry in ClinVar:

NM_014055.4(IFT81):c.264G>C (p.Gln88His)

Gene: IFT81 (intraflagellar transport 81; plus strand). Cytogenetic location: 12q24.11.
Variant type: single nucleotide variant.
Coding change: c.264G>C on transcript NM_014055.4 (MANE Select); coding-DNA position 264, G replaced by C.
Protein change: p.Gln88His; replaces glutamine 88 with histidine.
Molecular consequence: missense variant. On other transcripts: 5 prime UTR variant (2), non-coding transcript variant (4).
Genome position (GRCh38, 1-based): chr12:110,128,965, G>C. VCF-style: chr12-110128965-G-C. GRCh37 (hg19) VCF-style: chr12-110566770-G-C.
Other names: c.264G>C, p.Gln88His (NM_001143779.2, NM_001347946.2, NM_031473.4); c.-503G>C (NM_001347947.2, NM_001347948.2); short protein forms Q88H.
Identifiers: ClinVar variation 2131966 (VCV002131966.1), dbSNP rs1894009858, ClinGen allele CA386907177.

ClinVar aggregate classification (germline): Uncertain significance (1 of 4 stars; one submission).

Allele frequency attached by ClinVar (database versions not stated): TOPMed below 0.00001; gnomAD exomes 0.00001.
gnomAD v4.1: 7 of 1,613,506 alleles (0.00043%); highest among the groups gnomAD compares: Non-Finnish European, 0.00059%; no homozygotes.

Submission:

Labcorp Genetics (formerly Invitae), Labcorp
Classification: Uncertain significance. Last evaluated: 2022-10-17. Review status: criteria provided, single submitter. Criteria: Invitae Variant Classification Sherloc (09022015). Collection method: clinical testing. Allele origin: germline.
Comment: This sequence change replaces glutamine, which is neutral and polar, with histidine, which is basic and polar, at codon 88 of the IFT81 protein (p.Gln88His). This variant is not present in population databases (gnomAD no frequency). This variant has not been reported in the literature in individuals affected with IFT81-related conditions. Advanced modeling of protein sequence and biophysical properties (such as structural, functional, and spatial information, amino acid conservation, physicochemical variation, residue mobility, and thermodynamic stability) performed at Invitae indicates that this missense variant is expected to disrupt IFT81 protein function. In summary, the available evidence is currently insufficient to determine the role of this variant in disease. Therefore, it has been classified as a Variant of Uncertain Significance.